The following is an entry in ClinVar:

NM_000492.4(CFTR):c.2177A>T (p.Glu726Val)

Gene: CFTR (CF transmembrane conductance regulator; plus strand). Cytogenetic location: 7q31.2.
Variant type: single nucleotide variant.
Coding change: c.2177A>T on transcript NM_000492.4 (MANE Select); coding-DNA position 2177, A replaced by T.
Protein change: p.Glu726Val; replaces glutamic acid 726 with valine.
Molecular consequence: missense variant.
Genome position (GRCh38, 1-based): chr7:117,592,344, A>T. VCF-style: chr7-117592344-A-T. GRCh37 (hg19) VCF-style: chr7-117232398-A-T.
Other names: short protein forms E726V.
Identifiers: ClinVar variation 5034449 (VCV005034449.1).

ClinVar aggregate classification (germline): Uncertain significance (1 of 4 stars; one submission).

Conditions:
Cystic fibrosis (CF). Also called: MUCOVISCIDOSIS. Identifiers: Orphanet 586, MedGen C0010674, MONDO:0009061, OMIM 219700. Disease mechanism: loss of function.

Submission:

Ambry Genetics
Classification: Uncertain significance for Cystic fibrosis. Last evaluated: 2026-07-26. Review status: criteria provided, single submitter. Criteria: Ambry Variant Classification Scheme 2023. Collection method: clinical testing. Allele origin: germline.
Comment: The p.E726V variant (also known as c.2177A>T), located in coding exon 14 of the CFTR gene, results from an A to T substitution at nucleotide position 2177. The glutamic acid at codon 726 is replaced by valine, an amino acid with dissimilar properties. This amino acid position is conserved. In addition, the in silico prediction for this alteration is inconclusive. Based on the available evidence, the clinical significance of this variant remains unclear.